The following is an entry in ClinVar:

NM_013275.6(ANKRD11):c.6759C>T (p.Ser2253=)

Gene: ANKRD11 (ankyrin repeat domain 11; minus strand). Cytogenetic location: 16q24.3.
Variant type: single nucleotide variant.
Coding change: c.6759C>T on transcript NM_013275.6 (MANE Select); coding-DNA position 6759, C replaced by T.
Protein change: p.Ser2253=; no amino-acid change (serine 2253 retained).
Molecular consequence: synonymous variant.
Genome position (GRCh38, 1-based): chr16:89,279,783, G>A on the plus strand (C>T on the coding strand, the complement: ANKRD11 is on the minus strand). VCF-style: chr16-89279783-G-A. GRCh37 (hg19) VCF-style: chr16-89346191-G-A.
Other names: c.6759C>T, p.Ser2253= (NM_001256182.2, NM_001256183.2).
Identifiers: ClinVar variation 3257192 (VCV003257192.17).

ClinVar aggregate classification (germline): Likely benign (1 of 4 stars; one submission).

gnomAD v4.1: 10 of 1,533,514 alleles (0.00065%); highest among the groups gnomAD compares: East Asian, 0.0049%; no homozygotes.

Submission:

CeGaT Center for Human Genetics Tuebingen
Classification: Likely benign. Last evaluated: 2024-07-01. Review status: criteria provided, single submitter. Criteria: CeGaT Center For Human Genetics Tuebingen Variant Classification Criteria Version 2. Collection method: clinical testing. Allele origin: germline. Affected: yes. Observed: 1 variant allele.
Comment: ANKRD11: BP4, BP7